The following is an entry in ClinVar:

NM_000088.4(COL1A1):c.3679C>T (p.Arg1227Cys)

Gene: COL1A1 (collagen type I alpha 1 chain; minus strand). Cytogenetic location: 17q21.33.
Variant type: single nucleotide variant.
Coding change: c.3679C>T on transcript NM_000088.4 (MANE Select); coding-DNA position 3679, C replaced by T.
Protein change: p.Arg1227Cys; replaces arginine 1227 with cysteine.
Molecular consequence: missense variant.
Genome position (GRCh38, 1-based): chr17:50,186,775, G>A on the plus strand (C>T on the coding strand, the complement: COL1A1 is on the minus strand). VCF-style: chr17-50186775-G-A. GRCh37 (hg19) VCF-style: chr17-48264136-G-A.
Other names: short protein forms R1227C.
Identifiers: ClinVar variation 2901975 (VCV002901975.3), dbSNP rs2509164158, ClinGen allele CA400197158.

ClinVar aggregate classification (germline): Uncertain significance (1 of 4 stars; one submission).

Conditions:
Osteogenesis imperfecta type I (OI1). Also called: Osteogenesis imperfecta type 1; Lobstein's Disease; Classic Non-deforming Osteogenesis Imperfecta with Blue Sclerae; OI, TYPE I; OSTEOGENESIS IMPERFECTA TARDA; OSTEOGENESIS IMPERFECTA WITH BLUE SCLERAE. Identifiers: Orphanet 216796, Orphanet 666, MedGen C0023931, MONDO:0008146, OMIM 166200. Disease mechanism: loss of function.

Allele frequency attached by ClinVar (database versions not stated): gnomAD exomes below 0.00001.
gnomAD v4.1: 3 of 1,614,102 alleles (0.00019%); highest among the groups gnomAD compares: Non-Finnish European, 0.00025%; no homozygotes.

Submission:

Labcorp Genetics (formerly Invitae), Labcorp
Classification: Uncertain significance for Osteogenesis imperfecta type I. Last evaluated: 2023-06-23. Review status: criteria provided, single submitter. Criteria: Invitae Variant Classification Sherloc (09022015). Collection method: clinical testing. Allele origin: germline.
Comment: This sequence change replaces arginine, which is basic and polar, with cysteine, which is neutral and slightly polar, at codon 1227 of the COL1A1 protein (p.Arg1227Cys). This variant is not present in population databases (gnomAD no frequency). This variant has not been reported in the literature in individuals affected with COL1A1-related conditions. Advanced modeling of protein sequence and biophysical properties (such as structural, functional, and spatial information, amino acid conservation, physicochemical variation, residue mobility, and thermodynamic stability) performed at Invitae indicates that this missense variant is expected to disrupt COL1A1 protein function. In summary, the available evidence is currently insufficient to determine the role of this variant in disease. Therefore, it has been classified as a Variant of Uncertain Significance.